The following is an entry in ClinVar:

ClinVar aggregate classification (germline): Uncertain significance (1 of 4 stars; one submission).

Conditions:
Hereditary cancer-predisposing syndrome. Also called: Neoplastic Syndromes, Hereditary; Tumor predisposition; Hereditary Cancer Syndrome; Hereditary neoplastic syndrome. Identifiers: Orphanet 140162, MedGen C0027672, MeSH D009386, MONDO:0015356.

Submission:

Color Diagnostics, LLC DBA Color Health
Classification: Uncertain significance for Hereditary cancer-predisposing syndrome. Last evaluated: 2019-07-03. Review status: criteria provided, single submitter. Criteria: ACMG Guidelines, 2015. Collection method: clinical testing. Allele origin: germline.
Comment: This variant changes 1 nucleotide in the 5' untranslated region of the RAD51C gene. To our knowledge, functional assays have not been performed for this variant nor has this variant been reported in individuals affected with hereditary cancer in the literature. This variant has not been identified in the general population by the Genome Aggregation Database (gnomAD). Available evidence is insufficient to determine the role of this variant in disease conclusively. Therefore, this variant is classified as a Variant of Uncertain Significance.

NM_058216.3(RAD51C):c.-20G>C

Gene: RAD51C (RAD51 paralog C; plus strand). Cytogenetic location: 17q22.
Variant type: single nucleotide variant.
Coding change: c.-20G>C on transcript NM_058216.3 (MANE Select); 20 bases upstream of the start codon, G replaced by C.
Molecular consequence: 5 prime UTR variant. On other transcripts: non-coding transcript variant (2).
Genome position (GRCh38, 1-based): chr17:58,692,624, G>C. VCF-style: chr17-58692624-G-C. GRCh37 (hg19) VCF-style: chr17-56769985-G-C.
Other names: c.-20G>C (NM_002876.4).
Identifiers: ClinVar variation 927063 (VCV000927063.3), dbSNP rs1555591701, ClinGen allele CA1139665720.